The following is an entry in ClinVar:

ClinVar aggregate classification (germline): Likely pathogenic (1 of 4 stars; one submission).

Submission:

Labcorp Genetics (formerly Invitae), Labcorp
Classification: Likely pathogenic. Last evaluated: 2023-08-17. Review status: criteria provided, single submitter. Criteria: Invitae Variant Classification Sherloc (09022015). Collection method: clinical testing. Allele origin: germline.
Comment: This sequence change replaces alanine, which is neutral and non-polar, with aspartic acid, which is acidic and polar, at codon 1881 of the ABCA4 protein (p.Ala1881Asp). This variant is not present in population databases (gnomAD no frequency). This variant has not been reported in the literature in individuals affected with ABCA4-related conditions. ClinVar contains an entry for this variant (Variation ID: 957618). Advanced modeling of protein sequence and biophysical properties (such as structural, functional, and spatial information, amino acid conservation, physicochemical variation, residue mobility, and thermodynamic stability) performed at Invitae indicates that this missense variant is expected to disrupt ABCA4 protein function. This variant disrupts the p.Ala1881 amino acid residue in ABCA4. Other variant(s) that disrupt this residue have been determined to be pathogenic (PMID: 22661472, 30060493; Invitae). This suggests that this residue is clinically significant, and that variants that disrupt this residue are likely to be disease-causing. In summary, the currently available evidence indicates that the variant is pathogenic, but additional data are needed to prove that conclusively. Therefore, this variant has been classified as Likely Pathogenic.

Literature cited by the submitters: PubMed 22661472; PubMed 30060493.

NM_000350.3(ABCA4):c.5642C>A (p.Ala1881Asp)

Gene: ABCA4 (ATP binding cassette subfamily A member 4; minus strand). Cytogenetic location: 1p22.1.
Variant type: single nucleotide variant.
Coding change: c.5642C>A on transcript NM_000350.3 (MANE Select); coding-DNA position 5642, C replaced by A.
Protein change: p.Ala1881Asp; replaces alanine 1881 with aspartic acid.
Molecular consequence: missense variant.
Genome position (GRCh38, 1-based): chr1:94,010,872, G>T on the plus strand (C>A on the coding strand, the complement: ABCA4 is on the minus strand). VCF-style: chr1-94010872-G-T. GRCh37 (hg19) VCF-style: chr1-94476428-G-T.
Other names: c.5420C>A, p.Ala1807Asp (NM_001425324.1); short protein forms A1881D, A1807D.
Identifiers: ClinVar variation 957618 (VCV000957618.9), dbSNP rs369973540, ClinGen allele CA341280833.